The following is an entry in ClinVar:

ClinVar aggregate classification (germline): Uncertain significance (1 of 4 stars; one submission).

Submission:

Ambry Genetics
Classification: Uncertain significance. Last evaluated: 2025-01-13. Review status: criteria provided, single submitter. Criteria: Ambry Variant Classification Scheme 2023. Collection method: clinical testing. Allele origin: germline.
Comment: The p.P673S variant (also known as c.2017C>T), located in coding exon 3 of the CDK12 gene, results from a C to T substitution at nucleotide position 2017. The proline at codon 673 is replaced by serine, an amino acid with similar properties. This amino acid position is conserved. In addition, the in silico prediction for this alteration is inconclusive. Based on the available evidence, the clinical significance of this variant remains unclear.

NM_016507.4(CDK12):c.2017C>T (p.Pro673Ser)

Gene: CDK12 (cyclin dependent kinase 12; plus strand). Cytogenetic location: 17q12.
Variant type: single nucleotide variant.
Coding change: c.2017C>T on transcript NM_016507.4 (MANE Select); coding-DNA position 2017, C replaced by T.
Protein change: p.Pro673Ser; replaces proline 673 with serine.
Molecular consequence: missense variant.
Genome position (GRCh38, 1-based): chr17:39,490,642, C>T. VCF-style: chr17-39490642-C-T. GRCh37 (hg19) VCF-style: chr17-37646895-C-T.
Other names: c.2017C>T, p.Pro673Ser (NM_015083.4); short protein forms P673S.
Identifiers: ClinVar variation 3830489 (VCV003830489.1).